The following is an entry in ClinVar:

NC_000003.12:g.169765033C>G

Genes: TERC (telomerase RNA component; minus strand), LOC110806306 (telomerase RNA component (TERC) promoter; plus strand). Cytogenetic location: 3q26.2.
Variant type: single nucleotide variant.
Genome position: GRCh38 VCF-style: chr3-169765033-C-G. GRCh37 (hg19) VCF-style: chr3-169482821-C-G.
Identifiers: ClinVar variation 955278 (VCV000955278.10), dbSNP rs757982667, ClinGen allele CA436716008.

ClinVar aggregate classification (germline): Uncertain significance (1 of 4 stars; one submission).

Conditions:
Dyskeratosis congenita, autosomal dominant 1 (DKCA1). Also called: Dyskeratosis congenita Scoggins type. Identifiers: Orphanet 1775, MedGen C4551974, MONDO:0007485, OMIM 127550. Inheritance: Variable.

Submission:

Labcorp Genetics (formerly Invitae), Labcorp
Classification: Uncertain significance for Dyskeratosis congenita, autosomal dominant 1. Last evaluated: 2024-05-06. Review status: criteria provided, single submitter. Criteria: Invitae Variant Classification Sherloc (09022015). Collection method: clinical testing. Allele origin: germline.
Comment: This variant occurs in the TERC gene, which encodes an RNA molecule that does not result in a protein product. This variant is not present in population databases (gnomAD no frequency). This variant has not been reported in the literature in individuals affected with TERC-related conditions. ClinVar contains an entry for this variant (Variation ID: 955278). This variant is located at the 5’ end of the TERC RNA component (PMID: 15082312, 21844345). The functional significance of this region is not well understood. In summary, the available evidence is currently insufficient to determine the role of this variant in disease. Therefore, it has been classified as a Variant of Uncertain Significance.

Literature cited by the submitters: PubMed 15082312; PubMed 21844345.